The following is an entry in ClinVar:

ClinVar aggregate classification (germline): Uncertain significance (1 of 4 stars; one submission).

Allele frequency attached by ClinVar (database versions not stated): TOPMed 0.00003; gnomAD 0.00004.
gnomAD v4.1: 37 of 1,614,116 alleles (0.0023%); highest among the groups gnomAD compares: Non-Finnish European, 0.003%; no homozygotes.

Submission:

Labcorp Genetics (formerly Invitae), Labcorp
Classification: Uncertain significance. Last evaluated: 2022-08-16. Review status: criteria provided, single submitter. Criteria: Invitae Variant Classification Sherloc (09022015). Collection method: clinical testing. Allele origin: germline.
Comment: In summary, the available evidence is currently insufficient to determine the role of this variant in disease. Therefore, it has been classified as a Variant of Uncertain Significance. Algorithms developed to predict the effect of missense changes on protein structure and function (SIFT, PolyPhen-2, Align-GVGD) all suggest that this variant is likely to be tolerated. This variant has not been reported in the literature in individuals affected with ARFGEF2-related conditions. This variant is present in population databases (rs557395705, gnomAD 0.007%). This sequence change replaces proline, which is neutral and non-polar, with serine, which is neutral and polar, at codon 394 of the ARFGEF2 protein (p.Pro394Ser).

NM_006420.3(ARFGEF2):c.1180C>T (p.Pro394Ser)

Gene: ARFGEF2 (ARF guanine nucleotide exchange factor 2; plus strand). Cytogenetic location: 20q13.13.
Variant type: single nucleotide variant.
Coding change: c.1180C>T on transcript NM_006420.3 (MANE Select); coding-DNA position 1180, C replaced by T.
Protein change: p.Pro394Ser; replaces proline 394 with serine.
Molecular consequence: missense variant.
Genome position (GRCh38, 1-based): chr20:48,969,267, C>T. VCF-style: chr20-48969267-C-T. GRCh37 (hg19) VCF-style: chr20-47585804-C-T.
Other names: c.1177C>T, p.Pro393Ser (NM_001410846.1); short protein forms P394S, P393S.
Identifiers: ClinVar variation 2037969 (VCV002037969.4), dbSNP rs557395705, ClinGen allele CA315912026.
Genomic context (GRCh38, chr20:48,969,267, plus strand): 5'-GCCTTCCTTGTGTTCCGCTCCCTGTGCAAGCTGTCCATGAAACCCCTTGGTGAAGGCCCT[C>T]CAGACCCAAAGTAAGCAGACAGCAGTTCTTGGCCACCTTCAGTCCAATGATCCAGCAGCA-3'
Protein context (NP_006411.2, residues 384-404): LSMKPLGEGP[Pro394Ser]DPKSHELRSK